The following is an entry in ClinVar:

ClinVar aggregate classification (germline): Uncertain significance. Review status: criteria provided, multiple submitters, no conflicts (2 of 4 stars). 2 submissions from 2 submitters: Uncertain significance (2). Last evaluated 2024-10-30.

Conditions:
Developmental and epileptic encephalopathy, 34 (DEE34). Also called: SLC12A5-Related Epilepsy of Infancy with Migrating Focal Seizures; Early infantile epileptic encephalopathy 34. Identifiers: Orphanet 293181, MedGen C4225257, MONDO:0014718, OMIM 616645.

Allele frequency attached by ClinVar (database versions not stated): gnomAD exomes below 0.00001; TOPMed 0.00002; gnomAD 0.00003 and 0.00004.
gnomAD v4.1: 9 of 1,601,492 alleles (0.00056%); highest among the groups gnomAD compares: Non-Finnish European, 0.00068%; no homozygotes.

Submissions (2):

Labcorp Genetics (formerly Invitae), Labcorp
Classification: Uncertain significance for Developmental and epileptic encephalopathy, 34. Last evaluated: 2024-10-30. Review status: criteria provided, single submitter. Criteria: Invitae Variant Classification Sherloc (09022015). Collection method: clinical testing. Allele origin: germline.
Comment: This sequence change replaces glutamine, which is neutral and polar, with glutamic acid, which is acidic and polar, at codon 673 of the SLC12A5 protein (p.Gln673Glu). The frequency data for this variant in the population databases is considered unreliable, as metrics indicate poor data quality at this position in the gnomAD database. This variant has not been reported in the literature in individuals affected with SLC12A5-related conditions. ClinVar contains an entry for this variant (Variation ID: 1420303). Invitae Evidence Modeling of protein sequence and biophysical properties (such as structural, functional, and spatial information, amino acid conservation, physicochemical variation, residue mobility, and thermodynamic stability) indicates that this missense variant is expected to disrupt SLC12A5 protein function with a positive predictive value of 80%. In summary, the available evidence is currently insufficient to determine the role of this variant in disease. Therefore, it has been classified as a Variant of Uncertain Significance.

Ambry Genetics
Classification: Uncertain significance. Last evaluated: 2024-07-14. Review status: criteria provided, single submitter. Criteria: Ambry Variant Classification Scheme 2023. Collection method: clinical testing. Allele origin: germline.

NM_020708.5(SLC12A5):c.2017C>G (p.Gln673Glu)

Gene: SLC12A5 (solute carrier family 12 member 5; plus strand). Cytogenetic location: 20q13.12.
Variant type: single nucleotide variant.
Coding change: c.2017C>G on transcript NM_020708.5 (MANE Select); coding-DNA position 2017, C replaced by G.
Protein change: p.Gln673Glu; replaces glutamine 673 with glutamic acid.
Molecular consequence: missense variant.
Genome position (GRCh38, 1-based): chr20:46,049,626, C>G. VCF-style: chr20-46049626-C-G. GRCh37 (hg19) VCF-style: chr20-44678265-C-G.
Other names: c.2086C>G, p.Gln696Glu (NM_001134771.2); c.2086C>G (NM_001134771.1); short protein forms Q696E, Q673E.
Identifiers: ClinVar variation 1420303 (VCV001420303.7), dbSNP rs766589514, ClinGen allele CA315641051.